The following is an entry in ClinVar:

NM_152743.4(BRAT1):c.1384T>C (p.Ser462Pro)

Gene: BRAT1 (BRCA1 associated ATM activator 1; minus strand). Cytogenetic location: 7p22.3.
Variant type: single nucleotide variant.
Coding change: c.1384T>C on transcript NM_152743.4 (MANE Select); coding-DNA position 1384, T replaced by C.
Protein change: p.Ser462Pro; replaces serine 462 with proline.
Molecular consequence: missense variant. On other transcripts: non-coding transcript variant (1).
Genome position (GRCh38, 1-based): chr7:2,540,990, A>G on the plus strand (T>C on the coding strand, the complement: BRAT1 is on the minus strand). VCF-style: chr7-2540990-A-G. GRCh37 (hg19) VCF-style: chr7-2580624-A-G.
Other names: c.1384T>C, p.Ser462Pro (NM_001350626.2); c.859T>C, p.Ser287Pro (NM_001350627.2); short protein forms S462P, S287P.
Identifiers: ClinVar variation 540157 (VCV000540157.8), dbSNP rs761704986, ClinGen allele CA4127780.

ClinVar aggregate classification (germline): Uncertain significance. Review status: criteria provided, multiple submitters, no conflicts (2 of 4 stars). 2 submissions from 2 submitters: Uncertain significance (2). Last evaluated 2026-09-29.

Conditions:
Neonatal-onset encephalopathy with rigidity and seizures. Also called: Lethal neonatal spasticity-epileptic encephalopathy syndrome. Identifiers: Orphanet 435845, MedGen C3281029, MONDO:0013784, OMIM 614498.

Allele frequency attached by ClinVar (database versions not stated): ExAC 0.00002; gnomAD 0.00001; gnomAD exomes 0.00001 and 0.00002; TOPMed 0.00001.
gnomAD v4.1: 10 of 1,552,456 alleles (0.00064%); highest among the groups gnomAD compares: Admixed American, 0.019%; no homozygotes.

Submissions (2):

GeneDx
Classification: Uncertain significance. Last evaluated: 2026-09-29. Review status: criteria provided, single submitter. Criteria: GeneDx Variant Classification Process June 2021. Collection method: clinical testing. Allele origin: germline.
Comment: In silico analysis supports that this missense variant has a deleterious effect on protein structure/function; Has not been previously published as pathogenic or benign to our knowledge

Labcorp Genetics (formerly Invitae), Labcorp
Classification: Uncertain significance for Neonatal-onset encephalopathy with rigidity and seizures. Last evaluated: 2024-11-04. Review status: criteria provided, single submitter. Criteria: Invitae Variant Classification Sherloc (09022015). Collection method: clinical testing. Allele origin: germline.
Comment: This sequence change replaces serine, which is neutral and polar, with proline, which is neutral and non-polar, at codon 462 of the BRAT1 protein (p.Ser462Pro). This variant is present in population databases (rs761704986, gnomAD 0.02%). This variant has not been reported in the literature in individuals affected with BRAT1-related conditions. ClinVar contains an entry for this variant (Variation ID: 540157). Invitae Evidence Modeling of protein sequence and biophysical properties (such as structural, functional, and spatial information, amino acid conservation, physicochemical variation, residue mobility, and thermodynamic stability) has been performed for this missense variant. However, the output from this modeling did not meet the statistical confidence thresholds required to predict the impact of this variant on BRAT1 protein function. In summary, the available evidence is currently insufficient to determine the role of this variant in disease. Therefore, it has been classified as a Variant of Uncertain Significance.